The following is an entry in ClinVar:

NM_000264.5(PTCH1):c.641G>A (p.Gly214Asp)

Gene: PTCH1 (patched 1; minus strand). Cytogenetic location: 9q22.32.
Variant type: single nucleotide variant.
Coding change: c.641G>A on transcript NM_000264.5 (MANE Select); coding-DNA position 641, G replaced by A.
Protein change: p.Gly214Asp; replaces glycine 214 with aspartic acid.
Molecular consequence: missense variant. On other transcripts: non-coding transcript variant (1).
Genome position (GRCh38, 1-based): chr9:95,482,147, C>T on the plus strand (G>A on the coding strand, the complement: PTCH1 is on the minus strand). VCF-style: chr9-95482147-C-T. GRCh37 (hg19) VCF-style: chr9-98244429-C-T.
Other names: c.443G>A, p.Gly148Asp (NM_001083602.3, NM_001354919.2); c.638G>A, p.Gly213Asp (NM_001083603.3); c.188G>A, p.Gly63Asp (NM_001083604.3, NM_001083605.3, NM_001083606.3 and 1 more transcripts); c.641G>A, p.Gly214Asp (NM_001354918.2); short protein forms G148D, G213D, G63D, G214D.
Identifiers: ClinVar variation 2197976 (VCV002197976.6), dbSNP rs2118472707, ClinGen allele CA374115039.

ClinVar aggregate classification (germline): Uncertain significance. Review status: criteria provided, multiple submitters, no conflicts (2 of 4 stars). 3 submissions from 3 submitters: Uncertain significance (3). Last evaluated 2026-07-07.

Conditions:
Hereditary cancer-predisposing syndrome. Also called: Tumor predisposition; Hereditary Cancer Syndrome; Hereditary neoplastic syndrome; Neoplastic Syndromes, Hereditary. Identifiers: Orphanet 140162, MedGen C0027672, MeSH D009386, MONDO:0015356.
Gorlin syndrome. Also called: Basal cell nevus syndrome; Nevoid Basal Cell Carcinoma Syndrome. Identifiers: Orphanet 377, MedGen C0004779, MONDO:0007187.

Submissions (3):

Ambry Genetics
Classification: Uncertain significance for Hereditary cancer-predisposing syndrome. Last evaluated: 2026-07-07. Review status: criteria provided, single submitter. Criteria: Ambry Variant Classification Scheme 2023. Collection method: clinical testing. Allele origin: germline.
Comment: The p.G148D variant (also known as c.443G>A), located in coding exon 4 of the PTCH1 gene, results from a G to A substitution at nucleotide position 443. The glycine at codon 148 is replaced by aspartic acid, an amino acid with similar properties. This amino acid position is conserved. In addition, the in silico prediction for this alteration is inconclusive. Based on the available evidence, the clinical significance of this variant remains unclear.

Labcorp Genetics (formerly Invitae), Labcorp
Classification: Uncertain significance for Gorlin syndrome. Last evaluated: 2025-04-22. Review status: criteria provided, single submitter. Criteria: Invitae Variant Classification Sherloc (09022015). Collection method: clinical testing. Allele origin: germline.
Comment: This sequence change replaces glycine, which is neutral and non-polar, with aspartic acid, which is acidic and polar, at codon 214 of the PTCH1 protein (p.Gly214Asp). This variant is not present in population databases (gnomAD no frequency). This variant has not been reported in the literature in individuals affected with PTCH1-related conditions. ClinVar contains an entry for this variant (Variation ID: 2197976). Invitae Evidence Modeling of protein sequence and biophysical properties (such as structural, functional, and spatial information, amino acid conservation, physicochemical variation, residue mobility, and thermodynamic stability) indicates that this missense variant is not expected to disrupt PTCH1 protein function with a negative predictive value of 95%. In summary, the available evidence is currently insufficient to determine the role of this variant in disease. Therefore, it has been classified as a Variant of Uncertain Significance.

Blueprint Genetics
Classification: Uncertain significance. Last evaluated: 2022-05-11. Review status: criteria provided, single submitter. Criteria: ACMG Guidelines, 2015. Collection method: clinical testing. Allele origin: germline.